The following is an entry in ClinVar:

ClinVar aggregate classification (germline): Uncertain significance (1 of 4 stars; one submission).

Conditions:
Ethylmalonic encephalopathy (EE). Also called: EPEMA syndrome; Encephalopathy, petechiae, and ethylmalonic aciduria; Syndrome of encephalopathy, petechiae, and ethylmalonic aciduria. Identifiers: Orphanet 51188, MedGen C1865349, MONDO:0011229, OMIM 602473. Disease mechanism: loss of function.

Allele frequency attached by ClinVar (database versions not stated): ExAC 0.00001; TOPMed 0.00001.
gnomAD v4.1: 12 of 1,607,846 alleles (0.00075%); highest among the groups gnomAD compares: East Asian, 0.0022%; no homozygotes.

Submission:

3billion
Classification: Uncertain significance for Ethylmalonic encephalopathy. Last evaluated: 2025-12-15. Review status: criteria provided, single submitter. Criteria: ACMG Guidelines, 2015. Collection method: clinical testing. Allele origin: germline. Affected: yes.
Comment: The variant is observed at an extremely low frequency in the gnomAD v4.1.0 dataset (total allele frequency: <0.001%). Predicted Consequence/Location: Missense variant In silico tool predictions suggest damaging effect of the variant on gene or gene product [REVEL: 0.96 (>=0.6, sensitivity 0.68 and specificity 0.92); 3Cnet: 0.99 (> 0.75, sensitivity 0.96 and precision 0.92)]. The variant has been reported as of uncertain significance (ClinVar ID: VCV002444161; PMID: 39400921; 3billion dataset). Different missense changes at the same codon have been reported as of uncertain significance (ClinVar ID: VCV003897976). Therefore, this variant is classified as VUS according to the recommendation of ACMG/AMP guideline.

NM_014297.5(ETHE1):c.530C>T (p.Ser177Leu)

Gene: ETHE1 (ETHE1 persulfide dioxygenase; minus strand). Cytogenetic location: 19q13.31.
Variant type: single nucleotide variant.
Coding change: c.530C>T on transcript NM_014297.5 (MANE Select); coding-DNA position 530, C replaced by T.
Protein change: p.Ser177Leu; replaces serine 177 with leucine.
Molecular consequence: missense variant.
Genome position (GRCh38, 1-based): chr19:43,508,840, G>A on the plus strand (C>T on the coding strand, the complement: ETHE1 is on the minus strand). VCF-style: chr19-43508840-G-A. GRCh37 (hg19) VCF-style: chr19-44012992-G-A.
Other names: c.497C>T, p.Ser166Leu (NM_001320867.2); c.161C>T, p.Ser54Leu (NM_001320868.2); c.236C>T, p.Ser79Leu (NM_001320869.2); short protein forms S166L, S177L, S54L, S79L.
Identifiers: ClinVar variation 2444161 (VCV002444161.4), dbSNP rs773972765, ClinGen allele CA9487830.